The following is an entry in ClinVar:

ClinVar aggregate classification (germline): Uncertain significance (1 of 4 stars; one submission).

gnomAD v4.1: 5 of 1,614,150 alleles (0.00031%); highest among the groups gnomAD compares: Non-Finnish European, 0.00042%; no homozygotes.

Submission:

GeneDx
Classification: Uncertain significance. Last evaluated: 2024-11-19. Review status: criteria provided, single submitter. Criteria: GeneDx Variant Classification Process June 2021. Collection method: clinical testing. Allele origin: germline. Affected: yes.
Comment: Not observed at significant frequency in large population cohorts (gnomAD); In silico analysis supports that this missense variant has a deleterious effect on protein structure/function; Has not been previously published as pathogenic or benign to our knowledge

NM_020436.5(SALL4):c.1782C>A (p.Phe594Leu)

Gene: SALL4 (spalt like transcription factor 4; minus strand). Cytogenetic location: 20q13.2.
Variant type: single nucleotide variant.
Coding change: c.1782C>A on transcript NM_020436.5 (MANE Select); coding-DNA position 1782, C replaced by A.
Protein change: p.Phe594Leu; replaces phenylalanine 594 with leucine.
Molecular consequence: missense variant. On other transcripts: intron variant (1).
Genome position (GRCh38, 1-based): chr20:51,790,701, G>T on the plus strand (C>A on the coding strand, the complement: SALL4 is on the minus strand). VCF-style: chr20-51790701-G-T. GRCh37 (hg19) VCF-style: chr20-50407240-G-T.
Other names: c.1150+632C>A (NM_001318031.2); short protein forms F594L.
Identifiers: ClinVar variation 3899398 (VCV003899398.1).